The following is an entry in ClinVar:

ClinVar aggregate classification (germline): Uncertain significance. Review status: criteria provided, multiple submitters, no conflicts (2 of 4 stars). 2 submissions from 2 submitters: Uncertain significance (2). Last evaluated 2022-04-11.

Conditions:
Developmental and epileptic encephalopathy 6B. Also called: Developmental and epileptic encephalopathy 6B, non-Dravet. Identifiers: MedGen C5543353, MONDO:0030268, OMIM 619317.
Early-infantile DEE. Also called: Early infantile epileptic encephalopathy; Ohtahara syndrome; Early infantile epileptic encephalopathy with suppression bursts. Identifiers: Orphanet 1934, MedGen C0393706, MONDO:0800491.

Submissions (2):

Laboratorio de Genetica e Diagnostico Molecular, Hospital Israelita Albert Einstein
Classification: Uncertain significance for Developmental and epileptic encephalopathy 6B. Last evaluated: 2022-04-11. Review status: criteria provided, single submitter. Criteria: ACMG Guidelines, 2015. Collection method: clinical testing. Allele origin: germline. Affected: yes.
Comment: ACMG classification criteria: BP4 supporting

Labcorp Genetics (formerly Invitae), Labcorp
Classification: Uncertain significance for Early-infantile DEE. Last evaluated: 2021-08-27. Review status: criteria provided, single submitter. Criteria: Invitae Variant Classification Sherloc (09022015). Collection method: clinical testing. Allele origin: germline.
Comment: In summary, the available evidence is currently insufficient to determine the role of this variant in disease. Therefore, it has been classified as a Variant of Uncertain Significance. Advanced modeling of protein sequence and biophysical properties (such as structural, functional, and spatial information, amino acid conservation, physicochemical variation, residue mobility, and thermodynamic stability) performed at Invitae indicates that this missense variant is not expected to disrupt SCN1A protein function. This variant has not been reported in the literature in individuals affected with SCN1A-related conditions. This variant is not present in population databases (ExAC no frequency). This sequence change replaces alanine with proline at codon 1951 of the SCN1A protein (p.Ala1951Pro). The alanine residue is highly conserved and there is a small physicochemical difference between alanine and proline.

NM_001165963.4(SCN1A):c.5851G>C (p.Ala1951Pro)

Genes: SCN1A (sodium voltage-gated channel alpha subunit 1; minus strand), LOC102724058 (uncharacterized LOC102724058; plus strand). Cytogenetic location: 2q24.3.
Variant type: single nucleotide variant.
Coding change: c.5851G>C on transcript NM_001165963.4 (MANE Select); coding-DNA position 5851, G replaced by C.
Protein change: p.Ala1951Pro; replaces alanine 1951 with proline.
Molecular consequence: missense variant. On other transcripts: non-coding transcript variant (1).
Genome position (GRCh38, 1-based): chr2:165,991,424, C>G on the plus strand (G>C on the coding strand, the complement: SCN1A is on the minus strand). VCF-style: chr2-165991424-C-G. GRCh37 (hg19) VCF-style: chr2-166847934-C-G.
Other names: c.5767G>C, p.Ala1923Pro (NM_001165964.3, NM_001353957.2, NM_001353958.2); c.5851G>C, p.Ala1951Pro (NM_001202435.3, NM_001353948.2); c.5818G>C, p.Ala1940Pro (NM_001353949.2, NM_001353950.2, NM_001353951.2 and 2 more transcripts); c.5815G>C, p.Ala1939Pro (NM_001353954.2, NM_001353955.2); c.5764G>C, p.Ala1922Pro (NM_001353960.2); c.3409G>C, p.Ala1137Pro (NM_001353961.2); short protein forms A1137P, A1922P, A1951P, A1939P, A1923P, A1940P.
Identifiers: ClinVar variation 1517729 (VCV001517729.8), dbSNP rs376656165, ClinGen allele CA59797781.